The following is an entry in ClinVar:

NM_001099274.3(TINF2):c.716A>C (p.His239Pro)

Gene: TINF2 (TERF1 interacting nuclear factor 2; minus strand). Cytogenetic location: 14q12.
Variant type: single nucleotide variant.
Coding change: c.716A>C on transcript NM_001099274.3 (MANE Select); coding-DNA position 716, A replaced by C.
Protein change: p.His239Pro; replaces histidine 239 with proline.
Molecular consequence: missense variant.
Genome position (GRCh38, 1-based): chr14:24,240,764, T>G on the plus strand (A>C on the coding strand, the complement: TINF2 is on the minus strand). VCF-style: chr14-24240764-T-G. GRCh37 (hg19) VCF-style: chr14-24709970-T-G.
Other names: c.716A>C (NM_001099274.1); c.611A>C, p.His204Pro (NM_001363668.2); c.716A>C, p.His239Pro (NM_012461.3); short protein forms H204P, H239P.
Identifiers: ClinVar variation 1509342 (VCV001509342.7), dbSNP rs2040558735, ClinGen allele CA389227019.

ClinVar aggregate classification (germline): Uncertain significance. Review status: criteria provided, multiple submitters, no conflicts (2 of 4 stars). 2 submissions from 2 submitters: Uncertain significance (2). Last evaluated 2025-01-29.

Conditions:
Dyskeratosis congenita. Identifiers: Orphanet 1775, MedGen C0265965, MONDO:0015780.

Allele frequency attached by ClinVar (database versions not stated): gnomAD 0.00001; gnomAD exomes 0.00001; TOPMed 0.00001.
gnomAD v4.1: 15 of 1,613,444 alleles (0.00093%); highest among the groups gnomAD compares: Non-Finnish European, 0.0012%; no homozygotes.

Submissions (2):

GeneDx
Classification: Uncertain significance. Last evaluated: 2025-01-29. Review status: criteria provided, single submitter. Criteria: GeneDx Variant Classification Process June 2021. Collection method: clinical testing. Allele origin: germline. Affected: yes.
Comment: Not observed at significant frequency in large population cohorts (gnomAD); In silico analysis indicates that this missense variant does not alter protein structure/function; Has not been previously published as pathogenic or benign to our knowledge

Labcorp Genetics (formerly Invitae), Labcorp
Classification: Uncertain significance for Dyskeratosis congenita. Last evaluated: 2023-06-05. Review status: criteria provided, single submitter. Criteria: Invitae Variant Classification Sherloc (09022015). Collection method: clinical testing. Allele origin: germline.
Comment: In summary, the available evidence is currently insufficient to determine the role of this variant in disease. Therefore, it has been classified as a Variant of Uncertain Significance. Algorithms developed to predict the effect of missense changes on protein structure and function output the following: SIFT: "Not Available"; PolyPhen-2: "Benign"; Align-GVGD: "Not Available". The proline amino acid residue is found in multiple mammalian species, which suggests that this missense change does not adversely affect protein function. ClinVar contains an entry for this variant (Variation ID: 1509342). This variant has not been reported in the literature in individuals affected with TINF2-related conditions. This variant is not present in population databases (gnomAD no frequency). This sequence change replaces histidine, which is basic and polar, with proline, which is neutral and non-polar, at codon 239 of the TINF2 protein (p.His239Pro).